The following is an entry in ClinVar:

ClinVar aggregate classification (germline): Uncertain significance (1 of 4 stars; one submission).

Submission:

Women's Health and Genetics/Laboratory Corporation of America, LabCorp
Classification: Uncertain significance. Last evaluated: 2026-02-03. Review status: criteria provided, single submitter. Criteria: LabCorp Variant Classification Summary - May 2015. Collection method: clinical testing. Allele origin: germline.
Comment: Variant summary: TGFB3 c.859_872del14 (p.Arg287GlyfsX32) results in a premature termination codon, predicted to cause a truncation of the encoded protein or absence of the protein due to nonsense mediated decay, however current evidence is not sufficient to establish loss of function as a mechanism for disease. The variant was absent in 251442 control chromosomes. The available data on variant occurrences in the general population are insufficient to allow any conclusion about variant significance. To our knowledge, no occurrence of c.859_872del14 in individuals affected with TGFB3-related conditions and no experimental evidence demonstrating its impact on protein function have been reported. No submitters have cited clinical-significance assessments for this variant to ClinVar. Based on the evidence outlined above, the variant was classified as uncertain significance.

NM_003239.5(TGFB3):c.859_872del (p.Arg287fs)

Gene: TGFB3 (transforming growth factor beta 3; minus strand). Cytogenetic location: 14q24.3.
Variant type: Deletion.
Coding change: c.859_872del on transcript NM_003239.5 (MANE Select); coding-DNA positions 859 to 872, 14 bases deleted (CGGCTCGACAACCC).
Protein change: p.Arg287fs; shifts the reading frame from arginine 287.
Molecular consequence: frameshift variant.
Genome position (GRCh38, 1-based): chr14:75,963,370-75,963,383, GGGTTGTCGAGCCG deleted on the plus strand (CGGCTCGACAACCC on the coding strand, the reverse complement: TGFB3 is on the minus strand); deleting any 14 consecutive bases within chr14:75,963,370-75,963,384 gives the same sequence; the c. name uses the placement nearest the transcript's 3' end. VCF-style (leftmost placement, unchanged base first): chr14-75963369-CGGGTTGTCGAGCCG-C. GRCh37 (hg19) VCF-style: chr14-76429712-CGGGTTGTCGAGCCG-C.
Other names: c.859_872del14 (NM_003239.5); c.859_872del, p.Arg287fs (NM_001329938.2, NM_001329939.2); short protein forms R287fs.
Identifiers: ClinVar variation 4848076 (VCV004848076.1).
Genomic context (GRCh38, chr14:75,963,369, plus strand): 5'-GTCTCACCGGAAGCAGTAATTGGTGTCCAAAGCCCGCTTCTTCCTCTGACCCCCCTGGCC[CGGGTTGTCGAGCCG>C]GTGTGGGGGAATCATCATGAGGATTAGATGAGGGTTGTGGTGATCCTTCTGCTTCTTGAG-3'